The following is an entry in ClinVar:

NM_021629.4(GNB4):c.915A>G (p.Ala305=)

Gene: GNB4 (G protein subunit beta 4; minus strand). Cytogenetic location: 3q26.33.
Variant type: single nucleotide variant.
Coding change: c.915A>G on transcript NM_021629.4 (MANE Select); coding-DNA position 915, A replaced by G.
Protein change: p.Ala305=; no amino-acid change (alanine 305 retained).
Molecular consequence: synonymous variant.
Genome position (GRCh38, 1-based): chr3:179,405,191, T>C on the plus strand (A>G on the coding strand, the complement: GNB4 is on the minus strand). VCF-style: chr3-179405191-T-C. GRCh37 (hg19) VCF-style: chr3-179122979-T-C.
Identifiers: ClinVar variation 1364233 (VCV001364233.6), dbSNP rs1281047589, ClinGen allele CA437175154.

ClinVar aggregate classification (germline): Uncertain significance (1 of 4 stars; one submission).

Conditions:
Charcot-Marie-Tooth disease dominant intermediate F. Identifiers: Orphanet 352670, MedGen C4749463, MONDO:0014074, OMIM 615185.

Allele frequency attached by ClinVar (database versions not stated): gnomAD exomes below 0.00001; gnomAD 0.00001; TOPMed 0.00001.
gnomAD v4.1: 2 of 1,612,136 alleles (0.00012%); highest among the groups gnomAD compares: Non-Finnish European, 0.00017%; no homozygotes.

Submission:

Labcorp Genetics (formerly Invitae), Labcorp
Classification: Uncertain significance for Charcot-Marie-Tooth disease dominant intermediate F. Last evaluated: 2022-09-13. Review status: criteria provided, single submitter. Criteria: Invitae Variant Classification Sherloc (09022015). Collection method: clinical testing. Allele origin: germline.
Comment: In summary, the available evidence is currently insufficient to determine the role of this variant in disease. Therefore, it has been classified as a Variant of Uncertain Significance. Algorithms developed to predict the effect of sequence changes on RNA splicing suggest that this variant may disrupt the consensus splice site. ClinVar contains an entry for this variant (Variation ID: 1364233). This variant has not been reported in the literature in individuals affected with GNB4-related conditions. This variant is not present in population databases (gnomAD no frequency). This sequence change affects codon 305 of the GNB4 mRNA. It is a 'silent' change, meaning that it does not change the encoded amino acid sequence of the GNB4 protein. It affects a nucleotide within the consensus splice site.